The following is an entry in ClinVar:

NM_001849.4(COL6A2):c.2523C>T (p.Ser841=)

Gene: COL6A2 (collagen type VI alpha 2 chain; plus strand). Cytogenetic location: 21q22.3.
Variant type: single nucleotide variant.
Coding change: c.2523C>T on transcript NM_001849.4 (MANE Select); coding-DNA position 2523, C replaced by T.
Protein change: p.Ser841=; no amino-acid change (serine 841 retained).
Molecular consequence: synonymous variant.
Genome position (GRCh38, 1-based): chr21:46,132,015, C>T. VCF-style: chr21-46132015-C-T. GRCh37 (hg19) VCF-style: chr21-47551929-C-T.
Identifiers: ClinVar variation 340379 (VCV000340379.15), dbSNP rs149697707, ClinGen allele CA10072916.

ClinVar aggregate classification (germline): Benign/Likely benign. Review status: criteria provided, multiple submitters, no conflicts (2 of 4 stars). 4 submissions from 4 submitters: Benign (1); Likely benign (3). Last evaluated 2025-10-14.

Conditions:
Bethlem myopathy 1A. Also called: MYOPATHY, BENIGN CONGENITAL, WITH CONTRACTURES; Bethlem myopathy 1; Bethlem Muscular Dystrophy. Identifiers: Orphanet 610, MedGen CN029274, MONDO:0024530, OMIM 158810.
Collagen 6-related myopathy. Identifiers: MedGen CN117976, MONDO:0100225.

Allele frequency attached by ClinVar (database versions not stated): gnomAD 0.00005 and 0.00006; gnomAD exomes 0.00005 and 0.00007; ExAC 0.00008; ESP Exome Variant Server 0.00008; TOPMed 0.00012.
gnomAD v4.1: 87 of 1,609,902 alleles (0.0054%); highest among the groups gnomAD compares: East Asian, 0.033%; no homozygotes.

Submissions (4):

Labcorp Genetics (formerly Invitae), Labcorp
Classification: Likely benign for Bethlem myopathy 1A. Last evaluated: 2025-10-14. Review status: criteria provided, single submitter. Criteria: Invitae Variant Classification Sherloc (09022015). Collection method: clinical testing. Allele origin: germline.

Blueprint Genetics
Classification: Likely benign. Last evaluated: 2024-09-23. Review status: criteria provided, single submitter. Criteria: ACMG Guidelines, 2015. Collection method: clinical testing. Allele origin: germline.

GeneDx
Classification: Likely benign. Last evaluated: 2018-02-08. Review status: criteria provided, single submitter. Criteria: GeneDx Variant Classification (06012015). Collection method: clinical testing. Allele origin: germline. Affected: yes.
Comment: This variant is considered likely benign or benign based on one or more of the following criteria: it is a conservative change, it occurs at a poorly conserved position in the protein, it is predicted to be benign by multiple in silico algorithms, and/or has population frequency not consistent with disease.

Illumina Laboratory Services, Illumina
Classification: Benign for Collagen VI-related myopathy. Last evaluated: 2018-01-12. Review status: criteria provided, single submitter. Criteria: ICSL Variant Classification Criteria 13 December 2019. Collection method: clinical testing. Allele origin: germline.
Comment: This variant was observed in the ICSL laboratory as part of a predisposition screen in an ostensibly healthy population. It had not been previously curated by ICSL or reported in the Human Gene Mutation Database (HGMD: prior to June 1st, 2018), and was therefore a candidate for classification through an automated scoring system. Utilizing variant allele frequency, disease prevalence and penetrance estimates, and inheritance mode, an automated score was calculated to assess if this variant is too frequent to cause the disease. Based on the score and internal cut-off values, a variant classified as benign is not then subjected to further curation. The score for this variant resulted in a classification of benign for this disease.